The following is an entry in ClinVar:

NM_001382.4(DPAGT1):c.976C>G (p.Leu326Val)

Gene: DPAGT1 (dolichyl-phosphate N-acetylglucosaminephosphotransferase 1; minus strand). Cytogenetic location: 11q23.3.
Variant type: single nucleotide variant.
Coding change: c.976C>G on transcript NM_001382.4 (MANE Select); coding-DNA position 976, C replaced by G.
Protein change: p.Leu326Val; replaces leucine 326 with valine.
Molecular consequence: missense variant.
Genome position (GRCh38, 1-based): chr11:119,097,493, G>C on the plus strand (C>G on the coding strand, the complement: DPAGT1 is on the minus strand). VCF-style: chr11-119097493-G-C. GRCh37 (hg19) VCF-style: chr11-118968203-G-C.
Other names: short protein forms L326V.
Identifiers: ClinVar variation 540460 (VCV000540460.7), dbSNP rs755527720, ClinGen allele CA382909693.

ClinVar aggregate classification (germline): Uncertain significance (1 of 4 stars; one submission).

Conditions:
DPAGT1-congenital disorder of glycosylation. Also called: CONGENITAL DISORDER OF GLYCOSYLATION, TYPE Ij; CDG Ij; DPAGT1-CDG. Identifiers: Orphanet 86309, MedGen C2931004, MONDO:0011964, OMIM 608093.
Congenital myasthenic syndrome 13 (CMS13). Also called: Myasthenic syndrome, congenital, 13, with tubular aggregates; Myasthenic syndrome, congenital, with tubular aggregates 2. Identifiers: Orphanet 353327, Orphanet 590, MedGen C3553645, MONDO:0013883, OMIM 614750.

Allele frequency attached by ClinVar (database versions not stated): TOPMed below 0.00001.

Submission:

Labcorp Genetics (formerly Invitae), Labcorp
Classification: Uncertain significance for Congenital myasthenic syndrome 13; DPAGT1-congenital disorder of glycosylation. Last evaluated: 2022-06-26. Review status: criteria provided, single submitter. Criteria: Invitae Variant Classification Sherloc (09022015). Collection method: clinical testing. Allele origin: germline.
Comment: This sequence change replaces leucine, which is neutral and non-polar, with valine, which is neutral and non-polar, at codon 326 of the DPAGT1 protein (p.Leu326Val). This variant is present in population databases (no rsID available, gnomAD 0.002%). This variant has not been reported in the literature in individuals affected with DPAGT1-related conditions. ClinVar contains an entry for this variant (Variation ID: 540460). Algorithms developed to predict the effect of missense changes on protein structure and function are either unavailable or do not agree on the potential impact of this missense change (SIFT: "Tolerated"; PolyPhen-2: "Possibly Damaging"; Align-GVGD: "Class C0"). In summary, the available evidence is currently insufficient to determine the role of this variant in disease. Therefore, it has been classified as a Variant of Uncertain Significance.